The following is an entry in ClinVar:

ClinVar aggregate classification (germline): Uncertain significance. Review status: criteria provided, multiple submitters, no conflicts (2 of 4 stars). 4 submissions from 4 submitters: Uncertain significance (4). Last evaluated 2026-07-11.

Conditions:
GATA3-related disorder. Also called: GATA3-related condition.
Hypoparathyroidism, deafness, renal disease syndrome (HDRS). Also called: HYPOPARATHYROIDISM, SENSORINEURAL DEAFNESS, AND RENAL DYSPLASIA SYNDROME. Identifiers: Orphanet 2237, MedGen C1840333, MONDO:0007797, OMIM 146255.
Inborn genetic diseases. Identifiers: MedGen C0950123, MeSH D030342.

Allele frequency attached by ClinVar (database versions not stated): gnomAD 0.00001; TOPMed 0.00001; gnomAD exomes 0.00007.
gnomAD v4.1: 99 of 1,571,632 alleles (0.0063%); highest among the groups gnomAD compares: Non-Finnish European, 0.0085%; no homozygotes.

Submissions (4):

PreventionGenetics, part of Exact Sciences
Classification: Uncertain significance for GATA3-related condition. Last evaluated: 2026-07-11. Review status: criteria provided, single submitter. Criteria: ACMG Guidelines, 2015. Collection method: clinical testing. Allele origin: germline.
Comment: The GATA3 c.209C>A variant is predicted to result in the amino acid substitution p.Ala70Asp. To our knowledge, this variant has not been reported in the literature or population database gnomAD, indicating that this variant is rare. At this time, the clinical significance of this variant is uncertain due to the absence of conclusive functional and genetic evidence.

GeneDx
Classification: Uncertain significance. Last evaluated: 2025-10-01. Review status: criteria provided, single submitter. Criteria: GeneDx Variant Classification Process June 2021. Collection method: clinical testing. Allele origin: germline. Affected: yes.
Comment: In silico analysis supports that this missense variant has a deleterious effect on protein structure/function; Has not been previously published as pathogenic or benign to our knowledge; Not observed at significant frequency in large population cohorts (gnomAD)

Ambry Genetics
Classification: Uncertain significance for Inborn genetic diseases. Last evaluated: 2024-07-30. Review status: criteria provided, single submitter. Criteria: Ambry Variant Classification Scheme 2023. Collection method: clinical testing. Allele origin: germline.

Fulgent Genetics
Classification: Uncertain significance for Hypoparathyroidism, deafness, renal disease syndrome. Last evaluated: 2021-12-17. Review status: criteria provided, single submitter. Criteria: ACMG Guidelines, 2015. Collection method: clinical testing. Allele origin: unknown.

NM_001002295.2(GATA3):c.209C>A (p.Ala70Asp)

Genes: GATA3 (GATA binding protein 3; plus strand), LOC130003278 (ATAC-STARR-seq lymphoblastoid silent region 2118; plus strand). Cytogenetic location: 10p14.
Variant type: single nucleotide variant.
Coding change: c.209C>A on transcript NM_001002295.2 (MANE Select); coding-DNA position 209, C replaced by A.
Protein change: p.Ala70Asp; replaces alanine 70 with aspartic acid.
Molecular consequence: missense variant.
Genome position (GRCh38, 1-based): chr10:8,055,864, C>A. VCF-style: chr10-8055864-C-A. GRCh37 (hg19) VCF-style: chr10-8097827-C-A.
Other names: c.209C>A, p.Ala70Asp (NM_002051.3); short protein forms A70D.
Identifiers: ClinVar variation 1331186 (VCV001331186.6), dbSNP rs761676499, ClinGen allele CA5404297.